The following is an entry in ClinVar:

NM_000038.6(APC):c.442C>A (p.Leu148Ile)

Gene: APC (APC regulator of Wnt signaling pathway; plus strand). Cytogenetic location: 5q22.2.
Variant type: single nucleotide variant.
Coding change: c.442C>A on transcript NM_000038.6 (MANE Select); coding-DNA position 442, C replaced by A.
Protein change: p.Leu148Ile; replaces leucine 148 with isoleucine.
Molecular consequence: missense variant. On other transcripts: 5 prime UTR variant (1).
Genome position (GRCh38, 1-based): chr5:112,775,648, C>A. VCF-style: chr5-112775648-C-A. GRCh37 (hg19) VCF-style: chr5-112111345-C-A.
Other names: c.442C>A, p.Leu148Ile (NM_001127510.3, NM_001354895.2, NM_001354896.2 and 2 more transcripts); c.472C>A, p.Leu158Ile (NM_001127511.3, NM_001354897.2, NM_001354902.2); c.367C>A, p.Leu123Ile (NM_001354898.2, NM_001354904.2); c.265C>A, p.Leu89Ile (NM_001354900.2, NM_001354901.2, NM_001354905.2); c.-594C>A (NM_001354906.2); short protein forms L148I, L158I, L89I, L123I.
Identifiers: ClinVar variation 485091 (VCV000485091.40), dbSNP rs774964663, ClinGen allele CA039051.

ClinVar aggregate classification (germline): Uncertain significance. Review status: criteria provided, multiple submitters, no conflicts (2 of 4 stars). 6 submissions from 6 submitters: Uncertain significance (6). Last evaluated 2026-02-03.

Conditions:
Hereditary cancer-predisposing syndrome. Also called: Hereditary neoplastic syndrome; Neoplastic Syndromes, Hereditary; Hereditary Cancer Syndrome; Tumor predisposition. Identifiers: Orphanet 140162, MedGen C0027672, MeSH D009386, MONDO:0015356.
Classic or attenuated familial adenomatous polyposis. Identifiers: MedGen CN372698, MONDO:0021057.
Familial adenomatous polyposis 1 (FAP1). Also called: FAMILIAL ADENOMATOUS POLYPOSIS 1, ATTENUATED; POLYPOSIS, ADENOMATOUS INTESTINAL. Identifiers: MedGen C2713442, MONDO:0021056, OMIM 175100. Disease mechanism: loss of function.

Allele frequency attached by ClinVar (database versions not stated): gnomAD exomes below 0.00001 and 0.00001; TOPMed below 0.00001; ExAC 0.00001; gnomAD 0.00001.
gnomAD v4.1: 4 of 1,601,534 alleles (0.00025%); highest among the groups gnomAD compares: Non-Finnish European, 0.00034%; no homozygotes.

Submissions (6):

Labcorp Genetics (formerly Invitae), Labcorp
Classification: Uncertain significance for Familial adenomatous polyposis 1. Last evaluated: 2026-02-03. Review status: criteria provided, single submitter. Criteria: Invitae Variant Classification Sherloc (09022015). Collection method: clinical testing. Allele origin: germline.
Comment: This sequence change replaces leucine, which is neutral and non-polar, with isoleucine, which is neutral and non-polar, at codon 148 of the APC protein (p.Leu148Ile). This variant is present in population databases (rs774964663, gnomAD 0.002%). This missense change has been observed in individual(s) with colorectal cancer (PMID: 28135145). ClinVar contains an entry for this variant (Variation ID: 485091). Invitae Evidence Modeling of protein sequence and biophysical properties (such as structural, functional, and spatial information, amino acid conservation, physicochemical variation, residue mobility, and thermodynamic stability) indicates that this missense variant is not expected to disrupt APC protein function with a negative predictive value of 95%. In summary, the available evidence is currently insufficient to determine the role of this variant in disease. Therefore, it has been classified as a Variant of Uncertain Significance.

Ambry Genetics
Classification: Uncertain significance for Hereditary cancer-predisposing syndrome. Last evaluated: 2025-10-21. Review status: criteria provided, single submitter. Criteria: Ambry Variant Classification Scheme 2023. Collection method: clinical testing. Allele origin: germline.
Comment: The p.L148I variant (also known as c.442C>A), located in coding exon 4 of the APC gene, results from a C to A substitution at nucleotide position 442. The leucine at codon 148 is replaced by isoleucine, an amino acid with highly similar properties. This alteration was detected in a cohort of 1058 unselected colorectal cancer patients undergoing a 25-gene panel test (Yurgelun MB et al. J Clin Oncol. 2017 Apr;35:1086-1095). This amino acid position is highly conserved in available vertebrate species. In addition, in silico predictors for this gene do not accurately predict pathogenicity. Missense alterations in APC are not a common cause of disease (Spier I et al. Genet Med. 2024 Feb;26(2):100992). Based on the available evidence, the clinical significance of this variant remains unclear.

All of Us Research Program, National Institutes of Health
Classification: Uncertain significance for Classic or attenuated familial adenomatous polyposis. Last evaluated: 2024-07-20. Review status: criteria provided, single submitter. Criteria: ACMG Guidelines, 2015. Collection method: clinical testing. Allele origin: germline. Inheritance: Autosomal dominant inheritance. Observed: 3 variant alleles, 3 heterozygotes.
Comment: This missense variant replaces leucine with isoleucine at codon 148 of the APC protein. Computational prediction suggests that this variant may not impact protein structure and function (internally defined REVEL score threshold <= 0.5, PMID: 27666373). To our knowledge, functional studies have not been reported for this variant. This variant has been reported in individuals affected with melanoma and colorectal cancer in the literature (PMID: 28135145, 29684080). This variant has been identified in 2/246440 chromosomes in the general population by the Genome Aggregation Database (gnomAD). The available evidence is insufficient to determine the role of this variant in disease conclusively. Therefore, this variant is classified as a Variant of Uncertain Significance.

This study involves interpretation of variants in research participants for the purpose of population health screening. Participant phenotype was not available at the time of variant classification. Additional details can be found in publication PMID: 35346344, PMCID: PMC8962531

Color Diagnostics, LLC DBA Color Health
Classification: Uncertain significance for Hereditary cancer-predisposing syndrome. Last evaluated: 2024-07-10. Review status: criteria provided, single submitter. Criteria: ACMG Guidelines, 2015. Collection method: clinical testing. Allele origin: germline.
Comment: This missense variant replaces leucine with isoleucine at codon 148 of the APC protein. Computational prediction suggests that this variant may not impact protein structure and function (internally defined REVEL score threshold <= 0.5, PMID: 27666373). To our knowledge, functional studies have not been reported for this variant. This variant has been reported in individuals affected with melanoma and colorectal cancer in the literature (PMID: 28135145, 29684080). This variant has been identified in 2/246440 chromosomes in the general population by the Genome Aggregation Database (gnomAD). The available evidence is insufficient to determine the role of this variant in disease conclusively. Therefore, this variant is classified as a Variant of Uncertain Significance.

CeGaT Center for Human Genetics Tuebingen
Classification: Uncertain significance. Last evaluated: 2024-05-01. Review status: criteria provided, single submitter. Criteria: CeGaT Center For Human Genetics Tuebingen Variant Classification Criteria Version 2. Collection method: clinical testing. Allele origin: germline. Affected: yes. Observed: 1 variant allele.
Comment: APC: PM2, BP1

Sema4
Classification: Uncertain significance for Hereditary cancer-predisposing syndrome. Last evaluated: 2021-10-31. Review status: criteria provided, single submitter. Criteria: Sema4 Curation Guidelines. Collection method: curation. Allele origin: germline.
Comment: The APC c.442C>A (p.L148I) variant has been reported in individuals with colorectal cancer and melanoma (PMID: 27882345, 29684080). It was observed in 2/111924 chromosomes of the Non-Finnish European subpopulation in the large and broad cohorts of the Genome Aggregation Database (PMID: 32461654). This variant has been reported in ClinVar (Variation ID 485091). Functional studies have not been performed, and in silico predictions of the variant's effect on protein function are inconclusive. The evidence is insufficient to meet ACMG/AMP criteria for classifying the variant as benign or pathogenic. Thus, the clinical significance of this variant is currently uncertain.

Literature cited by the submitters: PubMed 28135145 (cited by 3 submitters); PubMed 29684080 (cited by 3 submitters); PubMed 27882345 (cited by Sema4).